The following is an entry in ClinVar:

NM_001378615.1(CC2D2A):c.1297del (p.Gln433fs)

Genes: FBXL5 (F-box and leucine rich repeat protein 5; minus strand), CC2D2A (coiled-coil and C2 domain containing 2A; plus strand). Cytogenetic location: 4p15.32.
Variant type: Deletion.
Coding change: c.1297del on transcript NM_001378615.1 (MANE Select); coding-DNA position 1297, one base deleted (C; older notation c.1297delC).
Protein change: p.Gln433fs; shifts the reading frame from glutamine 433.
Molecular consequence: frameshift variant.
Genome position (GRCh38, 1-based): chr4:15,527,594, C deleted; the last of 3 consecutive C bases (chr4:15,527,592-15,527,594); deleting any one gives the same sequence. VCF-style (leftmost placement, unchanged base first): chr4-15527591-GC-G. GRCh37 (hg19) VCF-style: chr4-15529214-GC-G.
Other names: c.1297del, p.Gln433fs (NM_001080522.2); c.1150del, p.Gln384fs (NM_001378617.1); short protein forms Q384fs, Q433fs.
Identifiers: ClinVar variation 1070038 (VCV001070038.8), dbSNP rs1560166488, ClinGen allele CA549889866.

ClinVar aggregate classification (germline): Pathogenic/Likely pathogenic. Review status: criteria provided, multiple submitters, no conflicts (2 of 4 stars). 2 submissions from 2 submitters: Pathogenic (1); Likely pathogenic (1). Last evaluated 2026-03-24.

Conditions:
Joubert syndrome. Also called: JOUBERT-BOLTSHAUSER SYNDROME; Familial aplasia of the vermis. Identifiers: Orphanet 475, MedGen C5979921, MONDO:0018772.
Meckel-Gruber syndrome. Also called: DYSENCEPHALIA SPLANCHNOCYSTICA; GRUBER SYNDROME; Dysencephalia splachnocystica. Identifiers: Orphanet 564, MedGen C0265215, MONDO:0018921.

Submissions (2):

GeneDx
Classification: Likely pathogenic. Last evaluated: 2026-03-24. Review status: criteria provided, single submitter. Criteria: GeneDx Variant Classification Process June 2021. Collection method: clinical testing. Allele origin: germline.
Comment: Frameshift variant predicted to result in protein truncation or nonsense mediated decay in a gene for which loss of function is a known mechanism of disease; Not observed at significant frequency in large population cohorts (gnomAD); Has not been previously published as pathogenic or benign to our knowledge; This variant is associated with the following publications: (PMID: 31964843)

Labcorp Genetics (formerly Invitae), Labcorp
Classification: Pathogenic for Joubert syndrome; Meckel-Gruber syndrome. Last evaluated: 2023-05-28. Review status: criteria provided, single submitter. Criteria: Invitae Variant Classification Sherloc (09022015). Collection method: clinical testing. Allele origin: germline.
Comment: For these reasons, this variant has been classified as Pathogenic. ClinVar contains an entry for this variant (Variation ID: 1070038). This variant has not been reported in the literature in individuals affected with CC2D2A-related conditions. This variant is present in population databases (no rsID available, gnomAD 0.006%). This sequence change creates a premature translational stop signal (p.Gln433Serfs*25) in the CC2D2A gene. It is expected to result in an absent or disrupted protein product. Loss-of-function variants in CC2D2A are known to be pathogenic (PMID: 19777577).

Literature cited by the submitters: PubMed 19777577 (cited by Labcorp Genetics (formerly Invitae), Labcorp).